The following is an entry in ClinVar:

ClinVar aggregate classification (germline): Uncertain significance. Review status: criteria provided, multiple submitters, no conflicts (2 of 4 stars). 5 submissions from 5 submitters: Uncertain significance (5). Last evaluated 2025-08-25.

Conditions:
Hereditary cancer-predisposing syndrome. Also called: Hereditary neoplastic syndrome; Tumor predisposition; Hereditary Cancer Syndrome; Neoplastic Syndromes, Hereditary. Identifiers: Orphanet 140162, MedGen C0027672, MeSH D009386, MONDO:0015356.
Lynch syndrome. Identifiers: Orphanet 144, MedGen C4552100, MONDO:0005835. Disease mechanism: loss of function.
Hereditary nonpolyposis colorectal neoplasms. Identifiers: MedGen C0009405, MeSH D003123.

Allele frequency attached by ClinVar (database versions not stated): gnomAD 0.00001; gnomAD exomes 0.00001; TOPMed 0.00001; ExAC 0.00002.

Submissions (5):

Labcorp Genetics (formerly Invitae), Labcorp
Classification: Uncertain significance for Hereditary nonpolyposis colorectal neoplasms. Last evaluated: 2025-08-25. Review status: criteria provided, single submitter. Criteria: Invitae Variant Classification Sherloc (09022015). Collection method: clinical testing. Allele origin: germline.
Comment: This sequence change replaces serine, which is neutral and polar, with tyrosine, which is neutral and polar, at codon 503 of the PMS2 protein (p.Ser503Tyr). This variant is present in population databases (rs777920014, gnomAD 0.02%). This missense change has been observed in individual(s) with breast cancer and stomach cancer (PMID: 26689913, 35449176). ClinVar contains an entry for this variant (Variation ID: 492257). Invitae Evidence Modeling incorporating data from in vitro experimental studies (internal data) indicates that this missense variant is not expected to disrupt PMS2 function with a negative predictive value of 95%. In summary, the available evidence is currently insufficient to determine the role of this variant in disease. Therefore, it has been classified as a Variant of Uncertain Significance.

All of Us Research Program, National Institutes of Health
Classification: Uncertain significance for Lynch syndrome. Last evaluated: 2024-02-05. Review status: criteria provided, single submitter. Criteria: ACMG Guidelines, 2015. Collection method: clinical testing. Allele origin: germline. Inheritance: Autosomal dominant inheritance. Observed: 1 variant allele, 1 heterozygote.
Comment: This missense variant replaces serine with tyrosine at codon 503 of the PMS2 protein. Computational prediction suggests that this variant may not impact protein structure and function (internally defined REVEL score threshold <= 0.5, PMID: 27666373). To our knowledge, functional studies have not been reported for this variant. This variant has been identified in 3/282758 chromosomes in the general population by the Genome Aggregation Database (gnomAD). The available evidence is insufficient to determine the role of this variant in disease conclusively. Therefore, this variant is classified as a Variant of Uncertain Significance.

This study involves interpretation of variants in research participants for the purpose of population health screening. Participant phenotype was not available at the time of variant classification. Additional details can be found in publication PMID: 35346344, PMCID: PMC8962531

Color Diagnostics, LLC DBA Color Health
Classification: Uncertain significance for Hereditary cancer-predisposing syndrome. Last evaluated: 2023-09-27. Review status: criteria provided, single submitter. Criteria: ACMG Guidelines, 2015. Collection method: clinical testing. Allele origin: germline.
Comment: This missense variant replaces serine with tyrosine at codon 503 of the PMS2 protein. Computational prediction suggests that this variant may not impact protein structure and function (internally defined REVEL score threshold <= 0.5, PMID: 27666373). To our knowledge, functional studies have not been reported for this variant. This variant has been reported in an individual with stomach adenocarcinoma (PMID: 26689913). This variant has been identified in 3/282758 chromosomes in the general population by the Genome Aggregation Database (gnomAD). The available evidence is insufficient to determine the role of this variant in disease conclusively. Therefore, this variant is classified as a Variant of Uncertain Significance.

Ambry Genetics
Classification: Uncertain significance for Hereditary cancer-predisposing syndrome. Last evaluated: 2021-04-12. Review status: criteria provided, single submitter. Criteria: Ambry Variant Classification Scheme 2023. Collection method: clinical testing. Allele origin: germline.
Comment: The p.S503Y variant (also known as c.1508C>A), located in coding exon 11 of the PMS2 gene, results from a C to A substitution at nucleotide position 1508. The serine at codon 503 is replaced by tyrosine, an amino acid with dissimilar properties. This amino acid position is well conserved in available vertebrate species. In addition, this alteration is predicted to be tolerated by in silico analysis. Since supporting evidence is limited at this time, the clinical significance of this alteration remains unclear.

GeneDx
Classification: Uncertain significance. Last evaluated: 2019-12-26. Review status: criteria provided, single submitter. Criteria: GeneDx Variant Classification Process June 2021. Collection method: clinical testing. Allele origin: germline. Affected: yes.
Comment: In silico analysis, which includes protein predictors and evolutionary conservation, supports that this variant does not alter protein structure/function; Has not been previously published as pathogenic or benign to our knowledge

Literature cited by the submitters: PubMed 26689913 (cited by 3 submitters); PubMed 35449176 (cited by Labcorp Genetics (formerly Invitae), Labcorp).

NM_000535.7(PMS2):c.1508C>A (p.Ser503Tyr)

Gene: PMS2 (PMS1 homolog 2, mismatch repair system component; minus strand). Cytogenetic location: 7p22.1.
Variant type: single nucleotide variant.
Coding change: c.1508C>A on transcript NM_000535.7 (MANE Select); coding-DNA position 1508, C replaced by A.
Protein change: p.Ser503Tyr; replaces serine 503 with tyrosine.
Molecular consequence: missense variant. On other transcripts: non-coding transcript variant (1).
Genome position (GRCh38, 1-based): chr7:5,987,257, G>T on the plus strand (C>A on the coding strand, the complement: PMS2 is on the minus strand). VCF-style: chr7-5987257-G-T. GRCh37 (hg19) VCF-style: chr7-6026888-G-T.
Other names: c.1103C>A, p.Ser368Tyr (NM_001322003.2, NM_001322004.2, NM_001322005.2 and 1 more transcripts); c.1352C>A, p.Ser451Tyr (NM_001322006.2); c.1190C>A, p.Ser397Tyr (NM_001322007.2, NM_001322008.2); c.947C>A, p.Ser316Tyr (NM_001322010.2); c.575C>A, p.Ser192Tyr (NM_001322011.2, NM_001322012.2); c.935C>A, p.Ser312Tyr (NM_001322013.2); c.1508C>A, p.Ser503Tyr (NM_001322014.2); c.1199C>A, p.Ser400Tyr (NM_001322015.2); short protein forms S503Y, S192Y, S451Y, S368Y, S312Y, S316Y, S397Y, S400Y.
Identifiers: ClinVar variation 492257 (VCV000492257.17), dbSNP rs777920014, ClinGen allele CA044110.
Genomic context (GRCh38, chr7:5,987,257, plus strand): 5'-GAGCTGGCCGCATACTCGCTGCTGCAGTGACTGCCCGTGTCTGGGATGCTGAACCCCTCA[G>T]AATCCACGGAAGTGCTGCCGTGCCCCGAGTCCTTCTCCACCTCCGCTCTGTCCGTAGGGT-3'
Protein context (NP_000526.2, residues 493-513): DSGHGSTSVD[Ser503Tyr]EGFSIPDTGS